The following is an entry in ClinVar:

NM_001378457.1(DMXL2):c.1361G>C (p.Arg454Thr)

Gene: DMXL2 (Dmx like 2; minus strand). Cytogenetic location: 15q21.2.
Variant type: single nucleotide variant.
Coding change: c.1361G>C on transcript NM_001378457.1 (MANE Select); coding-DNA position 1361, G replaced by C.
Protein change: p.Arg454Thr; replaces arginine 454 with threonine.
Molecular consequence: missense variant. On other transcripts: non-coding transcript variant (2).
Genome position (GRCh38, 1-based): chr15:51,537,744, C>G on the plus strand (G>C on the coding strand, the complement: DMXL2 is on the minus strand). VCF-style: chr15-51537744-C-G. GRCh37 (hg19) VCF-style: chr15-51829941-C-G.
Other names: c.1361G>C, p.Arg454Thr (NM_001174116.3, NM_001174117.3, NM_001378458.1 and 6 more transcripts); c.1121G>C, p.Arg374Thr (NM_001378464.1); short protein forms R374T, R454T.
Identifiers: ClinVar variation 4532638 (VCV004532638.1).

ClinVar aggregate classification (germline): Uncertain significance (1 of 4 stars; one submission).

gnomAD v4.1: 1 of 1,613,152 alleles (0.000062%); highest among the groups gnomAD compares: Non-Finnish European, 0.000085%; no homozygotes.

Submission:

GeneDx
Classification: Uncertain significance. Last evaluated: 2025-05-28. Review status: criteria provided, single submitter. Criteria: GeneDx Variant Classification Process June 2021. Collection method: clinical testing. Allele origin: germline. Affected: yes.
Comment: Not observed at significant frequency in large population cohorts (gnomAD); In silico analysis suggests that this missense variant does not alter protein structure/function; Has not been previously published as pathogenic or benign to our knowledge